The following is an entry in ClinVar:

ClinVar aggregate classification (germline): Uncertain significance (1 of 4 stars; one submission).

gnomAD v4.1: 11 of 1,614,130 alleles (0.00068%); highest among the groups gnomAD compares: Non-Finnish European, 0.00093%; no homozygotes.

Submission:

Labcorp Genetics (formerly Invitae), Labcorp
Classification: Uncertain significance. Last evaluated: 2025-01-07. Review status: criteria provided, single submitter. Criteria: Invitae Variant Classification Sherloc (09022015). Collection method: clinical testing. Allele origin: germline.
Comment: This sequence change replaces glycine, which is neutral and non-polar, with glutamic acid, which is acidic and polar, at codon 486 of the HPS4 protein (p.Gly486Glu). This variant is not present in population databases (gnomAD no frequency). This variant has not been reported in the literature in individuals affected with HPS4-related conditions. An algorithm developed to predict the effect of missense changes on protein structure and function outputs the following: PolyPhen-2: "Benign". The glutamic acid amino acid residue is found in multiple mammalian species, which suggests that this missense change does not adversely affect protein function. In summary, the available evidence is currently insufficient to determine the role of this variant in disease. Therefore, it has been classified as a Variant of Uncertain Significance.

NM_022081.6(HPS4):c.1457G>A (p.Gly486Glu)

Gene: HPS4 (HPS4 biogenesis of lysosomal organelles complex 3 subunit 2; minus strand). Cytogenetic location: 22q12.1.
Variant type: single nucleotide variant.
Coding change: c.1457G>A on transcript NM_022081.6 (MANE Select); coding-DNA position 1457, G replaced by A.
Protein change: p.Gly486Glu; replaces glycine 486 with glutamic acid.
Molecular consequence: missense variant. On other transcripts: non-coding transcript variant (8).
Genome position (GRCh38, 1-based): chr22:26,464,173, C>T on the plus strand (G>A on the coding strand, the complement: HPS4 is on the minus strand). VCF-style: chr22-26464173-C-T. GRCh37 (hg19) VCF-style: chr22-26860139-C-T.
Other names: c.1457G>A, p.Gly486Glu (NM_001349896.1, NM_001349898.2, NM_001349899.2 and 5 more transcripts); c.1511G>A, p.Gly504Glu (NM_001349900.2, NM_001349901.1); c.1442G>A, p.Gly481Glu (NM_152841.2); short protein forms G481E, G486E, G504E.
Identifiers: ClinVar variation 3619056 (VCV003619056.1).